The following is an entry in ClinVar:

ClinVar aggregate classification (germline): Likely pathogenic (1 of 4 stars; one submission).

Conditions:
Cockayne syndrome type 2 (CSB). Also called: COCKAYNE SYNDROME B; Cockayne Syndrome, Type II. Identifiers: Orphanet 191, Orphanet 90322, MedGen C0751038, MONDO:0019570, OMIM 133540.

Submission:

Myriad Genetics, Inc.
Classification: Likely pathogenic for Cockayne syndrome type 2. Last evaluated: 2022-02-27. Review status: criteria provided, single submitter. Criteria: Myriad Women's Health Autosomal Recessive and X-Linked Classification Criteria (2021). Collection method: clinical testing. Allele origin: unknown.
Comment: NM_000124.2(ERCC6):c.3505dupT(W1169Lfs*4) is expected to be pathogenic in the context of ERCC6-related disorders. This variant is predicted to lead to an abnormal or absent protein product due to the creation of a premature termination codon in ERCC6, a gene where loss-of-function variants are known to be pathogenic. Please note: this variant was assessed in the context of healthy population screening.

NM_000124.4(ERCC6):c.3505dup (p.Trp1169fs)

Gene: ERCC6 (ERCC excision repair 6, chromatin remodeling factor; minus strand). Cytogenetic location: 10q11.23.
Variant type: Duplication.
Coding change: c.3505dup on transcript NM_000124.4 (MANE Select); coding-DNA position 3505, one base duplicated (T; older notation c.3505dupT).
Protein change: p.Trp1169fs; shifts the reading frame from tryptophan 1169.
Molecular consequence: frameshift variant.
Genome position (GRCh38, 1-based): chr10:49,470,455, A duplicated on the plus strand (T on the coding strand, the reverse complement: ERCC6 is on the minus strand); the first of 5 consecutive A bases (chr10:49,470,455-49,470,459); duplicating any one gives the same sequence. VCF-style (leftmost placement, unchanged base first): chr10-49470454-C-CA. GRCh37 (hg19) VCF-style: chr10-50678500-C-CA.
Other names: c.3505dup, p.Trp1169fs (NM_001346440.2); short protein forms W1169fs.
Identifiers: ClinVar variation 1724789 (VCV001724789.2), dbSNP rs2495971782, ClinGen allele CA2580081543.
Genomic context (GRCh38, chr10:49,470,454, plus strand): 5'-CTATGATGTTTTGTTTTTGACTTGTGCTTATAAAAATTATTTTCCATTTGTTTATTCTCC[C>CA]AAAAAGCTTCTGTTTGAGCCTGGCTGGGTCTTTCTCTTTTGTAAGAAAGACCTAACTTTT-3'